The following is an entry in ClinVar:

ClinVar aggregate classification (germline): Benign/Likely benign. Review status: criteria provided, multiple submitters, no conflicts (2 of 4 stars). 3 submissions from 3 submitters: Benign (1); Likely benign (2). Last evaluated 2026-05-26.

Conditions:
OCRL-related disorder. Also called: OCRL-related condition.
Lowe syndrome (OCRL). Also called: LOWE OCULOCEREBRORENAL SYNDROME; Oculocerebrorenal Syndrome; PHOSPHATIDYLINOSITOL 4,5-BISPHOSPHATE 5-PHOSPHATASE DEFICIENCY. Identifiers: Orphanet 534, MedGen C0028860, MONDO:0010645, OMIM 309000.

Allele frequency attached by ClinVar (database versions not stated): ExAC 0.00003; TOPMed 0.00006; ESP Exome Variant Server 0.00009; gnomAD 0.00011; gnomAD exomes 0.00016.
gnomAD v4.1: 185 of 1,209,327 alleles (0.015%); highest among the groups gnomAD compares: Non-Finnish European, 0.02%; no homozygotes.

Submissions (3):

PreventionGenetics, part of Exact Sciences
Classification: Likely benign for OCRL-related condition. Last evaluated: 2026-05-26. Review status: criteria provided, single submitter. Criteria: ACMG Guidelines, 2015. Collection method: clinical testing. Allele origin: germline.
Comment: This variant is classified as likely benign based on ACMG/AMP sequence variant interpretation guidelines (Richards et al. 2015 PMID: 25741868, with internal and published modifications).

Labcorp Genetics (formerly Invitae), Labcorp
Classification: Benign for Lowe syndrome. Last evaluated: 2025-12-09. Review status: criteria provided, single submitter. Criteria: Invitae Variant Classification Sherloc (09022015). Collection method: clinical testing. Allele origin: germline.

CeGaT Center for Human Genetics Tuebingen
Classification: Likely benign. Last evaluated: 2024-03-01. Review status: criteria provided, single submitter. Criteria: CeGaT Center For Human Genetics Tuebingen Variant Classification Criteria Version 2. Collection method: clinical testing. Allele origin: germline. Affected: yes. Observed: 1 variant allele.
Comment: OCRL: BP4, BS2

NM_000276.4(OCRL):c.1128G>T (p.Leu376=)

Gene: OCRL (OCRL inositol polyphosphate-5-phosphatase; plus strand). Cytogenetic location: Xq26.1.
Variant type: single nucleotide variant.
Coding change: c.1128G>T on transcript NM_000276.4 (MANE Select); coding-DNA position 1128, G replaced by T.
Protein change: p.Leu376=; no amino-acid change (leucine 376 retained).
Molecular consequence: synonymous variant.
Genome position (GRCh38, 1-based): chrX:129,562,670, G>T. VCF-style: chrX-129562670-G-T. GRCh37 (hg19) VCF-style: chrX-128696647-G-T.
Other names: c.1131G>T, p.Leu377= (NM_001318784.2); c.1128G>T, p.Leu376= (NM_001587.4); c.1128G>T (NM_000276.3).
Identifiers: ClinVar variation 2056878 (VCV002056878.26), dbSNP rs375451344, ClinGen allele CA10512136.
Genomic context (GRCh38, chrX:129,562,670, plus strand): 5'-TGGGGTAGCTGTGAGATTTGTATTTCACAACACCACCTTTTGCATTGTCAATTCCCATCT[G>T]GCTGCACACGTGGAGGACTTTGAGAGAAGGAATCAAGATTATAAGGACATTTGTGCGAGA-3'
Protein context (NP_000267.2, residues 366-386): NTTFCIVNSH[Leu376=]AAHVEDFERR